The following is an entry in ClinVar:

NM_015178.3(RHOBTB2):c.1248G>A (p.Lys416=)

Gene: RHOBTB2 (Rho related BTB domain containing 2; plus strand). Cytogenetic location: 8p21.3.
Variant type: single nucleotide variant.
Coding change: c.1248G>A on transcript NM_015178.3 (MANE Select); coding-DNA position 1248, G replaced by A.
Protein change: p.Lys416=; no amino-acid change (lysine 416 retained).
Molecular consequence: synonymous variant.
Genome position (GRCh38, 1-based): chr8:23,007,493, G>A. VCF-style: chr8-23007493-G-A. GRCh37 (hg19) VCF-style: chr8-22865006-G-A.
Other names: c.1314G>A, p.Lys438= (NM_001160036.2); c.1269G>A, p.Lys423= (NM_001160037.2); c.1248G>A, p.Lys416= (NM_001374791.1).
Identifiers: ClinVar variation 2973732 (VCV002973732.5), dbSNP rs1295313308, ClinGen allele CA460177872.

ClinVar aggregate classification (germline): Likely benign. Review status: criteria provided, multiple submitters, no conflicts (2 of 4 stars). 2 submissions from 2 submitters: Likely benign (2). Last evaluated 2026-05-01.

Allele frequency attached by ClinVar (database versions not stated): gnomAD 0.00003.
gnomAD v4.1: 5 of 1,614,066 alleles (0.00031%); highest among the groups gnomAD compares: Non-Finnish European, 0.00025%; no homozygotes.

Submissions (2):

CeGaT Center for Human Genetics Tuebingen
Classification: Likely benign. Last evaluated: 2026-05-01. Review status: criteria provided, single submitter. Criteria: CeGaT Center For Human Genetics Tuebingen Variant Classification Criteria Version 2. Collection method: clinical testing. Allele origin: germline. Affected: yes. Observed: 1 variant allele.
Comment: RHOBTB2: BP4, BP7

Labcorp Genetics (formerly Invitae), Labcorp
Classification: Likely benign. Last evaluated: 2022-11-07. Review status: criteria provided, single submitter. Criteria: Invitae Variant Classification Sherloc (09022015). Collection method: clinical testing. Allele origin: germline.